The following is an entry in ClinVar:

NM_153046.3(TDRD9):c.642+8T>G

Gene: TDRD9 (tudor domain containing 9; plus strand). Cytogenetic location: 14q32.33.
Variant type: single nucleotide variant.
Coding change: c.642+8T>G on transcript NM_153046.3 (MANE Select); 8 bases into the intron after coding-DNA position 642, T replaced by G.
Molecular consequence: intron variant.
Genome position (GRCh38, 1-based): chr14:103,965,562, T>G. VCF-style: chr14-103965562-T-G. GRCh37 (hg19) VCF-style: chr14-104431899-T-G.
Identifiers: ClinVar variation 3038035 (VCV003038035.2), dbSNP rs2032703166, ClinGen allele CA966833552.

ClinVar aggregate classification (germline): Likely benign (0 of 4 stars; one submission).

Conditions:
TDRD9-related disorder. Also called: TDRD9-related condition.

Allele frequency attached by ClinVar (database versions not stated): gnomAD exomes 0.00005.

Submission:

PreventionGenetics, part of Exact Sciences
Classification: Likely benign for TDRD9-related condition. Last evaluated: 2019-05-06. Review status: no assertion criteria provided. Collection method: clinical testing. Allele origin: germline.
Comment: This variant is classified as likely benign based on ACMG/AMP sequence variant interpretation guidelines (Richards et al. 2015 PMID: 25741868, with internal and published modifications).